The following is an entry in ClinVar:

ClinVar aggregate classification (germline): Likely benign. Review status: criteria provided, multiple submitters, no conflicts (2 of 4 stars). 4 submissions from 4 submitters: Likely benign (3). 1 of the submissions does not count toward it. Last evaluated 2024-11-21.

Conditions:
RBM28-related disorder. Also called: RBM28-related condition.

Allele frequency attached by ClinVar (database versions not stated): 1000 Genomes Project 0.00140; 1000 Genomes Project 30x 0.00141; gnomAD 0.00206 and 0.00207; gnomAD exomes 0.00208 and 0.00311; TOPMed 0.00208; ExAC 0.00222; ESP Exome Variant Server 0.00261.
gnomAD v4.1: 4,851 of 1,614,124 alleles (0.3%); highest among the groups gnomAD compares: Non-Finnish European, 0.36%; 13 homozygotes.

Submissions (4):

Blueprint Genetics
Classification: Likely benign. Last evaluated: 2024-11-21. Review status: criteria provided, single submitter. Criteria: ACMG Guidelines, 2015. Collection method: clinical testing. Allele origin: germline.

CeGaT Center for Human Genetics Tuebingen
Classification: Likely benign. Last evaluated: 2022-05-01. Review status: criteria provided, single submitter. Criteria: CeGaT Center For Human Genetics Tuebingen Variant Classification Criteria Version 2. Collection method: clinical testing. Allele origin: germline. Affected: yes. Observed: 1 variant allele.
Comment: RBM28: BP4

Labcorp Genetics (formerly Invitae), Labcorp
Classification: Likely benign. Last evaluated: 2019-12-31. Review status: criteria provided, single submitter. Criteria: Invitae Variant Classification Sherloc (09022015). Collection method: clinical testing. Allele origin: germline.

PreventionGenetics, part of Exact Sciences
Classification: Likely benign for RBM28-related condition. Last evaluated: 2023-04-19. Review status: no assertion criteria provided. Collection method: clinical testing. Allele origin: germline. Not counted in ClinVar's aggregate classification.
Comment: This variant is classified as likely benign based on ACMG/AMP sequence variant interpretation guidelines (Richards et al. 2015 PMID: 25741868, with internal and published modifications).

NM_018077.3(RBM28):c.2077C>T (p.His693Tyr)

Gene: RBM28 (RNA binding motif protein 28; minus strand). Cytogenetic location: 7q32.1.
Variant type: single nucleotide variant.
Coding change: c.2077C>T on transcript NM_018077.3 (MANE Select); coding-DNA position 2077, C replaced by T.
Protein change: p.His693Tyr; replaces histidine 693 with tyrosine.
Molecular consequence: missense variant.
Genome position (GRCh38, 1-based): chr7:128,313,243, G>A on the plus strand (C>T on the coding strand, the complement: RBM28 is on the minus strand). VCF-style: chr7-128313243-G-A. GRCh37 (hg19) VCF-style: chr7-127953296-G-A.
Other names: c.1654C>T, p.His552Tyr (NM_001166135.2); short protein forms H552Y, H693Y.
Identifiers: ClinVar variation 774195 (VCV000774195.30), dbSNP rs142674151, ClinGen allele CA4469810.